The following is an entry in ClinVar:

NM_001008723.2(CFAP58):c.714A>G (p.Glu238=)

Gene: CFAP58 (cilia and flagella associated protein 58; plus strand). Cytogenetic location: 10q25.1.
Variant type: single nucleotide variant.
Coding change: c.714A>G on transcript NM_001008723.2 (MANE Select); coding-DNA position 714, A replaced by G.
Protein change: p.Glu238=; no amino-acid change (glutamic acid 238 retained).
Molecular consequence: synonymous variant.
Genome position (GRCh38, 1-based): chr10:104,365,930, A>G. VCF-style: chr10-104365930-A-G. GRCh37 (hg19) VCF-style: chr10-106125688-A-G.
Other names: c.660A>G, p.Glu220= (NM_001400226.1, NM_001400227.1).
Identifiers: ClinVar variation 3388081 (VCV003388081.14).

ClinVar aggregate classification (germline): Likely benign (1 of 4 stars; one submission).

gnomAD v4.1: 282 of 1,613,526 alleles (0.017%); highest among the groups gnomAD compares: South Asian, 0.047%; no homozygotes.

Submission:

CeGaT Center for Human Genetics Tuebingen
Classification: Likely benign. Last evaluated: 2024-11-01. Review status: criteria provided, single submitter. Criteria: CeGaT Center For Human Genetics Tuebingen Variant Classification Criteria Version 2. Collection method: clinical testing. Allele origin: germline. Affected: yes. Observed: 1 variant allele.
Comment: CFAP58: BP4, BP7